The following is an entry in ClinVar:

ClinVar aggregate classification (germline): Pathogenic. Review status: criteria provided, multiple submitters, no conflicts (2 of 4 stars). 3 submissions from 3 submitters: Pathogenic (3). Last evaluated 2026-07-01.

Conditions:
Glycogen storage disease, type II (IOPD). Also called: CARDIOMEGALIA GLYCOGENICA DIFFUSA; GLYCOGENOSIS, GENERALIZED, CARDIAC FORM; GSD II; POMPE DISEASE, INFANTILE-ONSET; GLYCOGEN STORAGE DISEASE II, INFANTILE-ONSET; ACID ALPHA-GLUCOSIDASE DEFICIENCY, INFANTILE-ONSET. Identifiers: Orphanet 365, MedGen C0017921, MONDO:0009290, OMIM 232300.

Submissions (3):

Genomenon, Inc
Classification: Pathogenic for Glycogen storage disease, type II. Last evaluated: 2026-07-01. Review status: criteria provided, single submitter. Criteria: Genomenon Sequence Variant Interpretation Standards - Updated. Collection method: curation. Allele origin: germline. Affected: yes.
Comment: GAA p.Cys103Ter (c.309C>A) is a nonsense variant that introduces a premature stop codon at amino acid position 103 and is predicted to result in a truncated or absent protein product. This variant has been observed in at least one proband with a GAA-related disorder (PMID:14695532). Functional studies have been reported (PMID:17805474). It is absent or not present at a significant frequency in gnomAD. In conclusion, we classify GAA p.Cys103Ter (c.309C>A) as a pathogenic variant.

Labcorp Genetics (formerly Invitae), Labcorp
Classification: Pathogenic for Glycogen storage disease, type II. Last evaluated: 2023-08-28. Review status: criteria provided, single submitter. Criteria: Invitae Variant Classification Sherloc (09022015). Collection method: clinical testing. Allele origin: germline.
Comment: This sequence change creates a premature translational stop signal (p.Cys103*) in the GAA gene. It is expected to result in an absent or disrupted protein product. Loss-of-function variants in GAA are known to be pathogenic (PMID: 18425781, 22252923). This variant is not present in population databases (gnomAD no frequency). This premature translational stop signal has been observed in individual(s) with clinical features of Pompe disease (PMID: 14695532). ClinVar contains an entry for this variant (Variation ID: 1322963). For these reasons, this variant has been classified as Pathogenic.

Revvity Omics, Revvity
Classification: Pathogenic. Last evaluated: 2020-04-04. Review status: criteria provided, single submitter. Criteria: ACMG Guidelines, 2015. Collection method: clinical testing. Allele origin: germline.

Literature cited by the submitters: PubMed 14695532 (cited by Genomenon, Inc and Labcorp Genetics (formerly Invitae), Labcorp); PubMed 17805474 (cited by Genomenon, Inc); PubMed 18425781 (cited by Labcorp Genetics (formerly Invitae), Labcorp); PubMed 22252923 (cited by Labcorp Genetics (formerly Invitae), Labcorp).

NM_000152.5(GAA):c.309C>A (p.Cys103Ter)

Gene: GAA (alpha glucosidase; plus strand). Cytogenetic location: 17q25.3.
Variant type: single nucleotide variant.
Coding change: c.309C>A on transcript NM_000152.5 (MANE Select); coding-DNA position 309, C replaced by A.
Protein change: p.Cys103Ter; replaces cysteine 103 with a stop codon.
Molecular consequence: nonsense.
Genome position (GRCh38, 1-based): chr17:80,104,895, C>A. VCF-style: chr17-80104895-C-A. GRCh37 (hg19) VCF-style: chr17-78078694-C-A.
Other names: c.309C>A, p.Cys103Ter (NM_001079803.3, NM_001079804.3); short protein forms C103*.
Identifiers: ClinVar variation 1322963 (VCV001322963.8), dbSNP rs373307393, ClinGen allele CA401360695.
Genomic context (GRCh38, chr17:80,104,895, plus strand): 5'-CGTCCCCCCCAACAGCCGCTTCGATTGCGCCCCTGACAAGGCCATCACCCAGGAACAGTG[C>A]GAGGCCCGCGGCTGTTGCTACATCCCTGCAAAGCAGGGGCTGCAGGGAGCCCAGATGGGG-3'